The following is an entry in ClinVar:

NM_006859.4(LIAS):c.393+4G>A

Gene: LIAS (lipoic acid synthetase; plus strand). Cytogenetic location: 4p14.
Variant type: single nucleotide variant.
Coding change: c.393+4G>A on transcript NM_006859.4 (MANE Select); 4 bases into the intron after coding-DNA position 393, G replaced by A.
Molecular consequence: intron variant. On other transcripts: missense variant (1), synonymous variant (1).
Genome position (GRCh38, 1-based): chr4:39,463,609, G>A. VCF-style: chr4-39463609-G-A. GRCh37 (hg19) VCF-style: chr4-39465229-G-A.
Other names: c.397G>A, p.Gly133Arg (NM_001278591.2); c.303G>A, p.Ter101= (NM_001278592.2); c.393+4G>A (NM_194451.3, NM_001278590.2); c.299+4G>A (NM_001363700.2); short protein forms G133R.
Identifiers: ClinVar variation 384227 (VCV000384227.15), dbSNP rs368453789, ClinGen allele CA2894657.

ClinVar aggregate classification (germline): Conflicting classifications of pathogenicity. Review status: criteria provided, conflicting classifications (1 of 4 stars). 3 submissions from 3 submitters: Uncertain significance (2); Likely benign (1). Last evaluated 2025-03-26.

Conditions:
Inborn genetic diseases. Identifiers: MedGen C0950123, MeSH D030342.
Lipoic acid synthetase deficiency. Also called: HYPERGLYCINEMIA, LACTIC ACIDOSIS, AND SEIZURES. Identifiers: Orphanet 401859, MedGen C3280887, MONDO:0013762, OMIM 614462.

Allele frequency attached by ClinVar (database versions not stated): gnomAD 0.00016; ESP Exome Variant Server 0.00023; ExAC 0.00009; TOPMed 0.00014; gnomAD exomes 0.00017 and 0.00011.

Submissions (3):

Ambry Genetics
Classification: Uncertain significance for Inborn genetic diseases. Last evaluated: 2025-03-26. Review status: criteria provided, single submitter. Criteria: Ambry Variant Classification Scheme 2023. Collection method: clinical testing. Allele origin: germline.
Comment: The c.393+4G>A intronic alteration consists of a G to A substitution nucleotides after coding exon 4 in the LIAS gene. Based on insufficient or conflicting evidence, the clinical significance of this alteration remains unclear.

Labcorp Genetics (formerly Invitae), Labcorp
Classification: Uncertain significance for Lipoic acid synthetase deficiency. Last evaluated: 2024-12-24. Review status: criteria provided, single submitter. Criteria: Invitae Variant Classification Sherloc (09022015). Collection method: clinical testing. Allele origin: germline.
Comment: This sequence change falls in intron 4 of the LIAS gene. It does not directly change the encoded amino acid sequence of the LIAS protein. It affects a nucleotide within the consensus splice site. This variant is present in population databases (rs368453789, gnomAD 0.02%). This variant has not been reported in the literature in individuals affected with LIAS-related conditions. ClinVar contains an entry for this variant (Variation ID: 384227). Variants that disrupt the consensus splice site are a relatively common cause of aberrant splicing (PMID: 17576681, 9536098). Algorithms developed to predict the effect of sequence changes on RNA splicing suggest that this variant is not likely to affect RNA splicing. In summary, the available evidence is currently insufficient to determine the role of this variant in disease. Therefore, it has been classified as a Variant of Uncertain Significance.

GeneDx
Classification: Likely benign. Last evaluated: 2020-09-16. Review status: criteria provided, single submitter. Criteria: GeneDx Variant Classification Process June 2021. Collection method: clinical testing. Allele origin: germline. Affected: yes.

Literature cited by the submitters: PubMed 17576681 (cited by Labcorp Genetics (formerly Invitae), Labcorp); PubMed 9536098 (cited by Labcorp Genetics (formerly Invitae), Labcorp).